The following is an entry in ClinVar:

NM_000258.3(MYL3):c.40A>C (p.Lys14Gln)

Gene: MYL3 (myosin light chain 3; minus strand). Cytogenetic location: 3p21.31.
Variant type: single nucleotide variant.
Coding change: c.40A>C on transcript NM_000258.3 (MANE Select); coding-DNA position 40, A replaced by C.
Protein change: p.Lys14Gln; replaces lysine 14 with glutamine.
Molecular consequence: missense variant.
Genome position (GRCh38, 1-based): chr3:46,863,351, T>G on the plus strand (A>C on the coding strand, the complement: MYL3 is on the minus strand). VCF-style: chr3-46863351-T-G. GRCh37 (hg19) VCF-style: chr3-46904841-T-G.
Other names: short protein forms K14Q.
Identifiers: ClinVar variation 926245 (VCV000926245.6), dbSNP rs1702011948, ClinGen allele CA352499819.

ClinVar aggregate classification (germline): Uncertain significance. Review status: criteria provided, multiple submitters, no conflicts (2 of 4 stars). 2 submissions from 2 submitters: Uncertain significance (2). Last evaluated 2025-12-09.

Conditions:
Cardiomyopathy (CMYO). Also called: Cardiomyopathies. Identifiers: Orphanet 167848, MedGen C0878544, MONDO:0004994, HP:0001638. Inheritance: Various modes of inheritance.
Hypertrophic cardiomyopathy. Also called: HYPERTROPHIC MYOCARDIOPATHY. Identifiers: Orphanet 217569, MedGen C0007194, MeSH D002312, MONDO:0005045, HP:0001639.

Submissions (2):

Labcorp Genetics (formerly Invitae), Labcorp
Classification: Uncertain significance for Hypertrophic cardiomyopathy. Last evaluated: 2025-12-09. Review status: criteria provided, single submitter. Criteria: Invitae Variant Classification Sherloc (09022015). Collection method: clinical testing. Allele origin: germline.
Comment: This sequence change replaces lysine, which is basic and polar, with glutamine, which is neutral and polar, at codon 14 of the MYL3 protein (p.Lys14Gln). This variant is not present in population databases (gnomAD no frequency). This variant has not been reported in the literature in individuals affected with MYL3-related conditions. ClinVar contains an entry for this variant (Variation ID: 926245). Experimental studies and prediction algorithms are not available or were not evaluated, and the functional significance of this variant is currently unknown. In summary, the available evidence is currently insufficient to determine the role of this variant in disease. Therefore, it has been classified as a Variant of Uncertain Significance.

Color Diagnostics, LLC DBA Color Health
Classification: Uncertain significance for Cardiomyopathy. Last evaluated: 2023-12-04. Review status: criteria provided, single submitter. Criteria: ACMG Guidelines, 2015. Collection method: clinical testing. Allele origin: germline.
Comment: Variant of Uncertain Significance due to insufficient evidence: This missense variant replaces lysine with glutamine at codon 14 of the MYL3 protein. Computational prediction tools and conservation analyses are inconclusive regarding the impact of this variant on the protein function. Computational splicing tools suggest that this variant may not impact RNA splicing. To our knowledge, functional assays have not been performed for this variant nor has this variant been reported in individuals affected with cardiovascular disorders in the literature. This variant is rare in the general population and has been identified in 0/277264 chromosomes by the Genome Aggregation Database (gnomAD). Available evidence is insufficient to determine the role of this variant in disease conclusively.